The following is an entry in ClinVar:

ClinVar aggregate classification (germline): Uncertain significance. Review status: criteria provided, multiple submitters, no conflicts (2 of 4 stars). 3 submissions from 3 submitters: Uncertain significance (3). Last evaluated 2026-01-18.

Conditions:
Hereditary cancer-predisposing syndrome. Also called: Neoplastic Syndromes, Hereditary; Tumor predisposition; Hereditary Cancer Syndrome; Hereditary neoplastic syndrome. Identifiers: Orphanet 140162, MedGen C0027672, MeSH D009386, MONDO:0015356.
EGFR-related lung cancer (EGFR). Identifiers: MedGen CN130014.

Allele frequency attached by ClinVar (database versions not stated): gnomAD exomes below 0.00001; TOPMed 0.00001.
gnomAD v4.1: 4 of 1,614,214 alleles (0.00025%); highest among the groups gnomAD compares: African/African-American, 0.0053%; no homozygotes.

Submissions (3):

Ambry Genetics
Classification: Uncertain significance for Hereditary cancer-predisposing syndrome. Last evaluated: 2026-01-18. Review status: criteria provided, single submitter. Criteria: Ambry Variant Classification Scheme 2023. Collection method: clinical testing. Allele origin: germline.
Comment: The p.I342T variant (also known as c.1025T>C), located in coding exon 9 of the EGFR gene, results from a T to C substitution at nucleotide position 1025. The isoleucine at codon 342 is replaced by threonine, an amino acid with similar properties. This amino acid position is conserved. In addition, this alteration is predicted to be tolerated by in silico analysis. Based on the available evidence, the clinical significance of this variant remains unclear.

Labcorp Genetics (formerly Invitae), Labcorp
Classification: Uncertain significance for EGFR-related lung cancer. Last evaluated: 2025-07-27. Review status: criteria provided, single submitter. Criteria: Invitae Variant Classification Sherloc (09022015). Collection method: clinical testing. Allele origin: germline.
Comment: This sequence change replaces isoleucine, which is neutral and non-polar, with threonine, which is neutral and polar, at codon 342 of the EGFR protein (p.Ile342Thr). This variant is not present in population databases (gnomAD no frequency). This variant has not been reported in the literature in individuals affected with EGFR-related conditions. ClinVar contains an entry for this variant (Variation ID: 1438198). Invitae Evidence Modeling of protein sequence and biophysical properties (such as structural, functional, and spatial information, amino acid conservation, physicochemical variation, residue mobility, and thermodynamic stability) indicates that this missense variant is not expected to disrupt EGFR protein function with a negative predictive value of 80%. In summary, the available evidence is currently insufficient to determine the role of this variant in disease. Therefore, it has been classified as a Variant of Uncertain Significance.

Sema4
Classification: Uncertain significance for Hereditary cancer-predisposing syndrome. Last evaluated: 2021-11-24. Review status: criteria provided, single submitter. Criteria: Sema4 Curation Guidelines. Collection method: curation. Allele origin: germline.
Comment: The EGFR c.1025T>C (p.I342T) variant has not been reported in the literature to our knowledge. It was not observed in the large and broad cohorts of the Genome Aggregation Database (PMID: 32461654A). This variant has not been reported in ClinVar. Functional studies have not been performed, and in silico predictions of the variant's effect on protein function are inconclusive. The evidence is insufficient to meet ACMG/AMP criteria for classifying the variant as benign or pathogenic. Thus, the clinical significance of this variant is currently uncertain.

NM_005228.5(EGFR):c.1025T>C (p.Ile342Thr)

Genes: EGFR (epidermal growth factor receptor; plus strand), LOC126860048 (P300/CBP strongly-dependent group 1 enhancer GRCh37_chr7:55223847-55225046; plus strand). Cytogenetic location: 7p11.2.
Variant type: single nucleotide variant.
Coding change: c.1025T>C on transcript NM_005228.5 (MANE Select); coding-DNA position 1025, T replaced by C.
Protein change: p.Ile342Thr; replaces isoleucine 342 with threonine.
Molecular consequence: missense variant.
Genome position (GRCh38, 1-based): chr7:55,156,551, T>C. VCF-style: chr7-55156551-T-C. GRCh37 (hg19) VCF-style: chr7-55224244-T-C.
Other names: c.890T>C, p.Ile297Thr (NM_001346897.2, NM_001346899.2); c.1025T>C, p.Ile342Thr (NM_001346898.2, NM_201282.2, NM_201283.2 and 1 more transcripts); c.866T>C, p.Ile289Thr (NM_001346900.2); c.224T>C, p.Ile75Thr (NM_001346941.2); short protein forms I342T, I75T, I289T, I297T.
Identifiers: ClinVar variation 1438198 (VCV001438198.10), dbSNP rs1381010963, ClinGen allele CA367578224.